The following is an entry in ClinVar:

NM_012082.4(ZFPM2):c.991C>T (p.Pro331Ser)

Genes: ZFPM2 (zinc finger protein, FOG family member 2; plus strand), ZFPM2-AS1 (ZFPM2 antisense RNA 1; minus strand). Cytogenetic location: 8q23.1.
Variant type: single nucleotide variant.
Coding change: c.991C>T on transcript NM_012082.4 (MANE Select); coding-DNA position 991, C replaced by T.
Protein change: p.Pro331Ser; replaces proline 331 with serine.
Molecular consequence: missense variant.
Genome position (GRCh38, 1-based): chr8:105,801,073, C>T. VCF-style: chr8-105801073-C-T. GRCh37 (hg19) VCF-style: chr8-106813301-C-T.
Other names: c.832C>T, p.Pro278Ser (NM_001362836.2); c.595C>T, p.Pro199Ser (NM_001362837.2); short protein forms P199S, P278S, P331S.
Identifiers: ClinVar variation 1914205 (VCV001914205.5), dbSNP rs1009890614, ClinGen allele CA182649154.

ClinVar aggregate classification (germline): Uncertain significance (1 of 4 stars; one submission).

Conditions:
46,XY sex reversal 9 (SRXY9). Also called: 46,XY SEX REVERSAL, ZFPM2-RELATED. Identifiers: Orphanet 251510, MedGen C4015129, MONDO:0014480, OMIM 616067.

Allele frequency attached by ClinVar (database versions not stated): gnomAD 0.00001; TOPMed 0.00002; gnomAD exomes 0.00003.
gnomAD v4.1: 47 of 1,613,318 alleles (0.0029%); highest among the groups gnomAD compares: Non-Finnish European, 0.0036%; no homozygotes.

Submission:

Labcorp Genetics (formerly Invitae), Labcorp
Classification: Uncertain significance for 46,XY sex reversal 9. Last evaluated: 2022-08-25. Review status: criteria provided, single submitter. Criteria: Invitae Variant Classification Sherloc (09022015). Collection method: clinical testing. Allele origin: germline.
Comment: In summary, the available evidence is currently insufficient to determine the role of this variant in disease. Therefore, it has been classified as a Variant of Uncertain Significance. Algorithms developed to predict the effect of missense changes on protein structure and function (SIFT, PolyPhen-2, Align-GVGD) all suggest that this variant is likely to be tolerated. This variant has not been reported in the literature in individuals affected with ZFPM2-related conditions. This variant is present in population databases (no rsID available, gnomAD 0.007%). This sequence change replaces proline, which is neutral and non-polar, with serine, which is neutral and polar, at codon 331 of the ZFPM2 protein (p.Pro331Ser).